The following is an entry in ClinVar:

ClinVar aggregate classification (germline): Likely benign. Review status: criteria provided, multiple submitters, no conflicts (2 of 4 stars). 2 submissions from 2 submitters: Likely benign (2). Last evaluated 2026-07-01.

Conditions:
Diamond-Blackfan anemia. Also called: Blackfan Diamond syndrome; Aregenerative anemia chronic congenital; Red cell aplasia, pure hereditary; Congenital hypoplastic anemia; Aase syndrome. Identifiers: Orphanet 124, MedGen C1260899, MeSH D029503, MONDO:0015253, HP:0004810.

Allele frequency attached by ClinVar (database versions not stated): 1000 Genomes Project 30x 0.00062; 1000 Genomes Project 0.00080; gnomAD 0.00143 and 0.00146; TOPMed 0.00162; gnomAD exomes 0.00184.
gnomAD v4.1: 2,029 of 1,138,532 alleles (0.18%); highest among the groups gnomAD compares: Non-Finnish European, 0.24%; 7 homozygotes.

Submissions (2):

CeGaT Center for Human Genetics Tuebingen
Classification: Likely benign. Last evaluated: 2026-07-01. Review status: criteria provided, single submitter. Criteria: CeGaT Center For Human Genetics Tuebingen Variant Classification Criteria Version 2. Collection method: clinical testing. Allele origin: germline. Affected: yes. Observed: 3 variant alleles.
Comment: RPS19: BS1

Labcorp Genetics (formerly Invitae), Labcorp
Classification: Likely benign for Diamond-Blackfan anemia. Last evaluated: 2016-01-18. Review status: criteria provided, single submitter. Criteria: Invitae Variant Classification Sherloc (09022015). Collection method: clinical testing. Allele origin: germline.

NM_001022.4(RPS19):c.72-92A>G

Genes: RPS19 (ribosomal protein S19; plus strand), RPS19-CD79A (RPS19-CD79A readthrough; plus strand). Cytogenetic location: 19q13.2.
Variant type: single nucleotide variant.
Coding change: c.72-92A>G on transcript NM_001022.4 (MANE Select); 92 bases into the intron before coding-DNA position 72, A replaced by G.
Molecular consequence: intron variant.
Genome position (GRCh38, 1-based): chr19:41,861,020, A>G. VCF-style: chr19-41861020-A-G. GRCh37 (hg19) VCF-style: chr19-42365089-A-G.
Other names: c.72-92A>G (NM_001321484.2, NM_001321485.2, NM_001321483.2).
Identifiers: ClinVar variation 238215 (VCV000238215.5), dbSNP rs566047445, ClinGen allele CA10583807.